The following is an entry in ClinVar:

NM_001110556.2(FLNA):c.4453G>A (p.Val1485Ile)

Gene: FLNA (filamin A; minus strand). Cytogenetic location: Xq28.
Variant type: single nucleotide variant.
Coding change: c.4453G>A on transcript NM_001110556.2 (MANE Select); coding-DNA position 4453, G replaced by A.
Protein change: p.Val1485Ile; replaces valine 1485 with isoleucine.
Molecular consequence: missense variant.
Genome position (GRCh38, 1-based): chrX:154,359,005, C>T on the plus strand (G>A on the coding strand, the complement: FLNA is on the minus strand). VCF-style: chrX-154359005-C-T. GRCh37 (hg19) VCF-style: chrX-153587373-C-T.
Other names: c.4453G>A (NM_001456.3); c.4453G>A, p.Val1485Ile (NM_001456.4); short protein forms V1485I.
Identifiers: ClinVar variation 2042496 (VCV002042496.5), dbSNP rs2522737086, ClinGen allele CA415216235.
Genomic context (GRCh38, chrX:154,359,005, plus strand): 5'-GCCCTCCTGACCCCTGGCTCCAGGCATGCAAACACTCACCTTTGGGCCCTTGCACTTTGA[C>T]CTGCAATGGGGCCACACCAGCCTTGCTTGTGTCCACCTGGAAGGACTGAGGGAGGTTGGC-3'
Protein context (NP_001104026.1, residues 1475-1495): TSKAGVAPLQ[Val1485Ile]KVQGPKGLVE

ClinVar aggregate classification (germline): Uncertain significance. Review status: criteria provided, multiple submitters, no conflicts (2 of 4 stars). 2 submissions from 2 submitters: Uncertain significance (2). Last evaluated 2025-01-13.

Conditions:
Oto-palato-digital syndrome, type II (OPD2). Also called: FACIOPALATOOSSEOUS SYNDROME; OPD II SYNDROME; Otopalatodigital Syndrome, Type II; Otopalatodigital Syndrome Type 2 (FLNA-OPD2). Identifiers: Orphanet 669, Orphanet 90652, MedGen C1844696, MONDO:0010571, OMIM 304120.
Frontometaphyseal dysplasia (FMD1). Identifiers: Orphanet 1826, MedGen C0265293, MONDO:0015942.
Melnick-Needles syndrome (MNS). Also called: MELNICK-NEEDLES OSTEODYSPLASTY; OSTEODYSPLASTY OF MELNICK AND NEEDLES; Melnick-Needles Syndrome (FLNA-MNS). Identifiers: Orphanet 2484, MedGen C0025237, MONDO:0010650, OMIM 309350.
Heterotopia, periventricular, X-linked dominant (PVNH1). Also called: PERIVENTRICULAR NODULAR HETEROTOPIA 1; PERIVENTRICULAR NODULAR HETEROTOPIA 4; HETEROTOPIA, PERIVENTRICULAR, 1; X-linked periventricular heterotopia. Identifiers: Orphanet 2149, Orphanet 82004, MedGen C1848213, MONDO:0010233, OMIM 300049.
Familial thoracic aortic aneurysm and aortic dissection (TAAD). Also called: Thoracic aortic aneurysms and dissections. Identifiers: Orphanet 91387, MedGen C4707243, MONDO:0019625.

Submissions (2):

Ambry Genetics
Classification: Uncertain significance for Familial thoracic aortic aneurysm and aortic dissection. Last evaluated: 2025-01-13. Review status: criteria provided, single submitter. Criteria: Ambry Variant Classification Scheme 2023. Collection method: clinical testing. Allele origin: germline.
Comment: The p.V1485I variant (also known as c.4453G>A), located in coding exon 25 of the FLNA gene, results from a G to A substitution at nucleotide position 4453. The valine at codon 1485 is replaced by isoleucine, an amino acid with highly similar properties. This amino acid position is highly conserved in available vertebrate species. In addition, the in silico prediction for this alteration is inconclusive. Based on the available evidence, the clinical significance of this variant remains unclear.

Labcorp Genetics (formerly Invitae), Labcorp
Classification: Uncertain significance for Oto-palato-digital syndrome, type II; Heterotopia, periventricular, X-linked dominant; Frontometaphyseal dysplasia; Melnick-Needles syndrome. Last evaluated: 2022-06-07. Review status: criteria provided, single submitter. Criteria: Invitae Variant Classification Sherloc (09022015). Collection method: clinical testing. Allele origin: germline.
Comment: This sequence change replaces valine, which is neutral and non-polar, with isoleucine, which is neutral and non-polar, at codon 1485 of the FLNA protein (p.Val1485Ile). This variant is not present in population databases (gnomAD no frequency). This variant has not been reported in the literature in individuals affected with FLNA-related conditions. Advanced modeling of protein sequence and biophysical properties (such as structural, functional, and spatial information, amino acid conservation, physicochemical variation, residue mobility, and thermodynamic stability) performed at Invitae indicates that this missense variant is not expected to disrupt FLNA protein function. In summary, the available evidence is currently insufficient to determine the role of this variant in disease. Therefore, it has been classified as a Variant of Uncertain Significance.